The following is an entry in ClinVar:

ClinVar aggregate classification (germline): Uncertain significance (1 of 4 stars; one submission).

Conditions:
Epilepsy, progressive myoclonic, 1B. Also called: PME. Identifiers: Orphanet 308, MedGen C2676254, MONDO:0012904, OMIM 612437.

Allele frequency attached by ClinVar (database versions not stated): gnomAD exomes below 0.00001; TOPMed below 0.00001.
gnomAD v4.1: 1 of 1,614,224 alleles (0.000062%); highest among the groups gnomAD compares: Non-Finnish European, 0.000085%; no homozygotes.

Submission:

Labcorp Genetics (formerly Invitae), Labcorp
Classification: Uncertain significance for Epilepsy, progressive myoclonic, 1B. Last evaluated: 2021-08-14. Review status: criteria provided, single submitter. Criteria: Invitae Variant Classification Sherloc (09022015). Collection method: clinical testing. Allele origin: germline.
Comment: This sequence change replaces isoleucine with threonine at codon 258 of the PRICKLE1 protein (p.Ile258Thr). The isoleucine residue is highly conserved and there is a moderate physicochemical difference between isoleucine and threonine. This variant is not present in population databases (ExAC no frequency). This variant has not been reported in the literature in individuals affected with PRICKLE1-related conditions. Algorithms developed to predict the effect of missense changes on protein structure and function (SIFT, PolyPhen-2, Align-GVGD) all suggest that this variant is likely to be disruptive. In summary, the available evidence is currently insufficient to determine the role of this variant in disease. Therefore, it has been classified as a Variant of Uncertain Significance.

NM_153026.3(PRICKLE1):c.773T>C (p.Ile258Thr)

Gene: PRICKLE1 (prickle planar cell polarity protein 1; minus strand). Cytogenetic location: 12q12.
Variant type: single nucleotide variant.
Coding change: c.773T>C on transcript NM_153026.3 (MANE Select); coding-DNA position 773, T replaced by C.
Protein change: p.Ile258Thr; replaces isoleucine 258 with threonine.
Molecular consequence: missense variant.
Genome position (GRCh38, 1-based): chr12:42,466,196, A>G on the plus strand (T>C on the coding strand, the complement: PRICKLE1 is on the minus strand). VCF-style: chr12-42466196-A-G. GRCh37 (hg19) VCF-style: chr12-42859998-A-G.
Other names: c.773T>C, p.Ile258Thr (NM_001144881.2, NM_001144882.2, NM_001144883.2); short protein forms I258T.
Identifiers: ClinVar variation 1419921 (VCV001419921.5), dbSNP rs1938088327, ClinGen allele CA384443206.